The following is an entry in ClinVar:

NM_000071.3(CBS):c.*22C>T

Gene: CBS (cystathionine beta-synthase; minus strand). Cytogenetic location: 21q22.3.
Variant type: single nucleotide variant.
Coding change: c.*22C>T on transcript NM_000071.3 (MANE Select); 22 bases downstream of the stop codon, C replaced by T.
Molecular consequence: 3 prime UTR variant. On other transcripts: intron variant (1).
Genome position (GRCh38, 1-based): chr21:43,053,858, G>A on the plus strand (C>T on the coding strand, the complement: CBS is on the minus strand). VCF-style: chr21-43053858-G-A. GRCh37 (hg19) VCF-style: chr21-44473968-G-A.
Other names: c.*22C>T (NM_001178008.3, NM_001320298.2, NM_001321072.1); c.*18+4C>T (NM_001178009.3).
Identifiers: ClinVar variation 421937 (VCV000421937.1), dbSNP rs1051316, ClinGen allele CA16621010.

ClinVar aggregate classification (germline): Uncertain significance (1 of 4 stars; one submission).

Allele frequency attached by ClinVar (database versions not stated): gnomAD exomes 0.00004; ExAC 0.00004; gnomAD 0.00003.

Submission:

GeneDx
Classification: Uncertain significance. Last evaluated: 2016-08-08. Review status: criteria provided, single submitter. Criteria: GeneDx Variant Classification (06012015). Collection method: clinical testing. Allele origin: germline. Affected: yes.
Comment: A variant of uncertain significance has been identified in an alternate transcript of the CBS gene. The c.*18+4 C>T variant has also not been reported as a pathogenic variant or as a benign variant to our knowledge. It was not observed in approximately 6,500 individuals of European and African American ancestry in the NHLBI Exome Sequencing Project, indicating it is not a common benign variant in these populations.The c.*18+4 C>T variant occurs in the +4 position of a splice donor site for intron 17 in the alternate transcript noted above. This position is located downstream of the natural termination codon in all transcripts and is in the 3'UTR of the default transcript (NM000071.2). In this alternate transcript, the sequence of intron 17 is predicted to be spliced out of the 3'UTR, whereas all other transcripts retain that sequence. This variant occurs at a position that is not conserved across species and where thymidine (T) is tolerated in multiple species. Several in silico splice prediction programs do not recognize this splice donor site in the alternate trancript; those that do are inconsistent in their predictions as to whether this variant has an impact on gene splicing. Nevertheless, in the absence of functional mRNA studies, the physiological consequence of this variant cannot be precisely determined. In addition, if normal splicing is disrupted, the biological and clinical consequence of aberrant splicing in this alternate transcript of CBS is unknown, as no other variants exclusive to this transcript have been reported to our knowledge.Therefore, based on the currently available information, it is unclear whether this is a pathogenic or rare benign variant.